The following is an entry in ClinVar:

NM_005859.5(PURA):c.240C>T (p.Asn80=)

Gene: PURA (purine rich element binding protein A; plus strand). Cytogenetic location: 5q31.3.
Variant type: single nucleotide variant.
Coding change: c.240C>T on transcript NM_005859.5 (MANE Select); coding-DNA position 240, C replaced by T.
Protein change: p.Asn80=; no amino-acid change (asparagine 80 retained).
Molecular consequence: synonymous variant.
Genome position (GRCh38, 1-based): chr5:140,114,421, C>T. VCF-style: chr5-140114421-C-T. GRCh37 (hg19) VCF-style: chr5-139494006-C-T.
Other names: p.Asn80=.
Identifiers: ClinVar variation 589033 (VCV000589033.19), dbSNP rs367658456, ClinGen allele CA3437436.

ClinVar aggregate classification (germline): Likely benign. Review status: criteria provided, multiple submitters, no conflicts (2 of 4 stars). 5 submissions from 5 submitters: Likely benign (4). 1 of the submissions does not count toward it. Last evaluated 2025-09-26.

Conditions:
PURA-related disorder. Also called: PURA-related condition.
PURA-related severe neonatal hypotonia-seizures-encephalopathy syndrome (NEDRIHF). Also called: NEURODEVELOPMENTAL DISORDER WITH NEONATAL RESPIRATORY INSUFFICIENCY, HYPOTONIA, AND FEEDING DIFFICULTIES; PURA-Related Neurodevelopmental Disorders. Identifiers: Orphanet 438213, Orphanet 438216, MedGen C4015357, MONDO:1060108, OMIM 616158, MONDO:0018580.
Inborn genetic diseases. Identifiers: MedGen C0950123, MeSH D030342.

Allele frequency attached by ClinVar (database versions not stated): gnomAD 0.00011; ESP Exome Variant Server 0.00015; ExAC 0.00007; gnomAD exomes 0.00010 and 0.00021; TOPMed 0.00010.
gnomAD v4.1: 318 of 1,612,974 alleles (0.02%); highest among the groups gnomAD compares: Non-Finnish European, 0.026%; no homozygotes.

Submissions (5):

Mayo Clinic Laboratories, Mayo Clinic
Classification: Likely benign. Last evaluated: 2025-09-26. Review status: criteria provided, single submitter. Criteria: ACMG Guidelines, 2015. Collection method: clinical testing. Allele origin: germline. Observed: 1 variant allele.
Comment: BS2, BP4, BP7

Labcorp Genetics (formerly Invitae), Labcorp
Classification: Likely benign for PURA-related severe neonatal hypotonia-seizures-encephalopathy syndrome. Last evaluated: 2025-09-21. Review status: criteria provided, single submitter. Criteria: Invitae Variant Classification Sherloc (09022015). Collection method: clinical testing. Allele origin: germline.

Blueprint Genetics
Classification: Likely benign. Last evaluated: 2024-09-23. Review status: criteria provided, single submitter. Criteria: ACMG Guidelines, 2015. Collection method: clinical testing. Allele origin: germline.

Ambry Genetics
Classification: Likely benign for Inborn genetic diseases. Last evaluated: 2017-05-09. Review status: criteria provided, single submitter. Criteria: Ambry Variant Classification Scheme 2023. Collection method: clinical testing. Allele origin: germline.

PreventionGenetics, part of Exact Sciences
Classification: Likely benign for PURA-related condition. Last evaluated: 2024-03-19. Review status: no assertion criteria provided. Collection method: clinical testing. Allele origin: germline. Not counted in ClinVar's aggregate classification.
Comment: This variant is classified as likely benign based on ACMG/AMP sequence variant interpretation guidelines (Richards et al. 2015 PMID: 25741868, with internal and published modifications).